The following is an entry in ClinVar:

NM_018139.3(DNAAF2):c.1312C>T (p.Gln438Ter)

Genes: DNAAF2 (dynein axonemal assembly factor 2; minus strand), LOC130055542 (ATAC-STARR-seq lymphoblastoid silent region 5699; plus strand). Cytogenetic location: 14q21.3.
Variant type: single nucleotide variant.
Coding change: c.1312C>T on transcript NM_018139.3 (MANE Select); coding-DNA position 1312, C replaced by T.
Protein change: p.Gln438Ter; replaces glutamine 438 with a stop codon.
Molecular consequence: nonsense. On other transcripts: 5 prime UTR variant (1).
Genome position (GRCh38, 1-based): chr14:49,633,838, G>A on the plus strand (C>T on the coding strand, the complement: DNAAF2 is on the minus strand). VCF-style: chr14-49633838-G-A. GRCh37 (hg19) VCF-style: chr14-50100556-G-A.
Other names: c.1312C>T, p.Gln438Ter (NM_001083908.2); c.-560C>T (NM_001378453.1); short protein forms Q438*.
Identifiers: ClinVar variation 1437834 (VCV001437834.6), dbSNP rs1213557289, ClinGen allele CA389628061.

ClinVar aggregate classification (germline): Pathogenic (1 of 4 stars; one submission).

Conditions:
Primary ciliary dyskinesia. Also called: Ciliary dyskinesia. Identifiers: Orphanet 244, MedGen C0008780, MONDO:0016575, HP:0012265.

Allele frequency attached by ClinVar (database versions not stated): gnomAD 0.00001.
gnomAD v4.1: 2 of 1,568,212 alleles (0.00013%); highest among the groups gnomAD compares: Non-Finnish European, 0.00017%; no homozygotes.

Submission:

Labcorp Genetics (formerly Invitae), Labcorp
Classification: Pathogenic for Primary ciliary dyskinesia. Last evaluated: 2021-08-29. Review status: criteria provided, single submitter. Criteria: Invitae Variant Classification Sherloc (09022015). Collection method: clinical testing. Allele origin: germline.
Comment: This sequence change creates a premature translational stop signal (p.Gln438*) in the DNAAF2 gene. It is expected to result in an absent or disrupted protein product. Loss-of-function variants in DNAAF2 are known to be pathogenic (PMID: 19052621, 24498942). The frequency data for this variant in the population databases is considered unreliable, as metrics indicate insufficient coverage at this position in the ExAC database. This variant has not been reported in the literature in individuals affected with DNAAF2-related conditions. For these reasons, this variant has been classified as Pathogenic.

Literature cited by the submitters: PubMed 19052621; PubMed 24498942.